The following is an entry in ClinVar:

NM_032951.3(MLXIPL):c.1794G>A (p.Ala598=)

Gene: MLXIPL (MLX interacting protein like; minus strand). Cytogenetic location: 7q11.23.
Variant type: single nucleotide variant.
Coding change: c.1794G>A on transcript NM_032951.3 (MANE Select); coding-DNA position 1794, G replaced by A.
Protein change: p.Ala598=; no amino-acid change (alanine 598 retained).
Molecular consequence: synonymous variant.
Genome position (GRCh38, 1-based): chr7:73,596,667, C>T on the plus strand (G>A on the coding strand, the complement: MLXIPL is on the minus strand). VCF-style: chr7-73596667-C-T. GRCh37 (hg19) VCF-style: chr7-73010997-C-T.
Other names: c.1794G>A, p.Ala598= (NM_032952.3, NM_032953.3, NM_032954.3).
Identifiers: ClinVar variation 4084940 (VCV004084940.8).
Genomic context (GRCh38, chr7:73,596,667, plus strand): 5'-ATTCCCCCAATCCCTGCAACCCCTCTCTTTACCGCTGGGCGCTGGGGGTGAGAGCCGCTC[C>T]GCTTTGGGGACAAGCAGGGGCCTGGAAGGGGCCAATGTGGCCGGGCCTGGAGGTGGCCGG-3'
Protein context (NP_116569.1, residues 588-608): APSRPLLVPK[Ala598=]ERLSPPAPSG

ClinVar aggregate classification (germline): Likely benign (1 of 4 stars; one submission).

gnomAD v4.1: 6 of 1,589,718 alleles (0.00038%); highest among the groups gnomAD compares: Non-Finnish European, 0.00051%; no homozygotes.

Submission:

CeGaT Center for Human Genetics Tuebingen
Classification: Likely benign. Last evaluated: 2025-08-01. Review status: criteria provided, single submitter. Criteria: CeGaT Center For Human Genetics Tuebingen Variant Classification Criteria Version 2. Collection method: clinical testing. Allele origin: germline. Affected: yes. Observed: 1 variant allele.
Comment: MLXIPL: BP4, BP7